The following is an entry in ClinVar:

ClinVar aggregate classification (germline): Uncertain significance. Review status: criteria provided, multiple submitters, no conflicts (2 of 4 stars). 2 submissions from 2 submitters: Uncertain significance (2). Last evaluated 2025-10-17.

Conditions:
Inborn genetic diseases. Identifiers: MedGen C0950123, MeSH D030342.

Allele frequency attached by ClinVar (database versions not stated): gnomAD exomes 0.00001; ExAC 0.00002.
gnomAD v4.1: 10 of 1,613,986 alleles (0.00062%); highest among the groups gnomAD compares: South Asian, 0.0088%; no homozygotes.

Submissions (2):

Ambry Genetics
Classification: Uncertain significance for Inborn genetic diseases. Last evaluated: 2025-10-17. Review status: criteria provided, single submitter. Criteria: Ambry Variant Classification Scheme 2023. Collection method: clinical testing. Allele origin: germline.

Labcorp Genetics (formerly Invitae), Labcorp
Classification: Uncertain significance. Last evaluated: 2024-05-15. Review status: criteria provided, single submitter. Criteria: Invitae Variant Classification Sherloc (09022015). Collection method: clinical testing. Allele origin: germline.
Comment: This sequence change replaces lysine, which is basic and polar, with glutamic acid, which is acidic and polar, at codon 303 of the PCLO protein (p.Lys303Glu). This variant is present in population databases (rs773859846, gnomAD 0.01%). This variant has not been reported in the literature in individuals affected with PCLO-related conditions. ClinVar contains an entry for this variant (Variation ID: 1930931). Experimental studies and prediction algorithms are not available or were not evaluated, and the functional significance of this variant is currently unknown. In summary, the available evidence is currently insufficient to determine the role of this variant in disease. Therefore, it has been classified as a Variant of Uncertain Significance.

NM_033026.6(PCLO):c.907A>G (p.Lys303Glu)

Gene: PCLO (piccolo presynaptic cytomatrix protein; minus strand). Cytogenetic location: 7q21.11.
Variant type: single nucleotide variant.
Coding change: c.907A>G on transcript NM_033026.6 (MANE Select); coding-DNA position 907, A replaced by G.
Protein change: p.Lys303Glu; replaces lysine 303 with glutamic acid.
Molecular consequence: missense variant.
Genome position (GRCh38, 1-based): chr7:83,155,734, T>C on the plus strand (A>G on the coding strand, the complement: PCLO is on the minus strand). VCF-style: chr7-83155734-T-C. GRCh37 (hg19) VCF-style: chr7-82785050-T-C.
Other names: c.907A>G, p.Lys303Glu (NM_014510.3); c.907A>G (NM_033026.5); short protein forms K303E.
Identifiers: ClinVar variation 1930931 (VCV001930931.6), dbSNP rs773859846, ClinGen allele CA4321578.